The following is an entry in ClinVar:

NM_020937.4(FANCM):c.1057CAA[1] (p.Gln354del)

Gene: FANCM (FA complementation group M; plus strand). Cytogenetic location: 14q21.2.
Variant type: Microsatellite.
Coding change: c.1057CAA[1] on transcript NM_020937.4 (MANE Select); one copy of the 3-base unit CAA starting at c.1057; the reference has two copies in a row; one copy, 3 bases deleted; also written c.1060_1062del.
Protein change: p.Gln354del; deletes glutamine 354.
Genome position (GRCh38, 1-based): chr14:45,153,929-45,153,931, CAA deleted; deleting any 3 consecutive bases within chr14:45,153,925-45,153,931 gives the same sequence; the position shown is the placement nearest the transcript's 3' end. VCF-style (leftmost placement, unchanged base first): chr14-45153924-TACA-T. GRCh37 (hg19) VCF-style: chr14-45623127-TACA-T.
Other names: c.1060_1062del (NM_020937.4); c.979CAA[1], p.Gln328del (NM_001308133.2); c.1057CAA[1], p.Gln354del (NM_001308134.2); short protein forms Q354del, Q328del.
Identifiers: ClinVar variation 3576576 (VCV003576576.3).
Genomic context (GRCh38, chr14:45,153,924, plus strand): 5'-GAGCATGTATGTTCATTTATTTCTCTGGTTAAATTTGACATATGCTGTTTTTCTAGGGAA[TACA>T]ACAAGGCATAATCGAGGGAGAGTTTGCTATTTGTATTAGTTTATATCATGGTTATGAATT-3'

ClinVar aggregate classification (germline): Uncertain significance. Review status: criteria provided, multiple submitters, no conflicts (2 of 4 stars). 2 submissions from 2 submitters: Uncertain significance (2). Last evaluated 2024-05-08.

Conditions:
Fanconi anemia (FA). Also called: Fanconi's anemia. Identifiers: Orphanet 84, MedGen C0015625, MeSH D005199, MONDO:0019391.
Spermatogenic failure 28. Identifiers: MedGen C4748117, MONDO:0054732, OMIM 618086.
Premature ovarian failure 15. Identifiers: MedGen C4748170, MONDO:0054862, OMIM 618096.

Submissions (2):

Labcorp Genetics (formerly Invitae), Labcorp
Classification: Uncertain significance for Fanconi anemia. Last evaluated: 2024-05-08. Review status: criteria provided, single submitter. Criteria: Invitae Variant Classification Sherloc (09022015). Collection method: clinical testing. Allele origin: germline.
Comment: This variant, c.1060_1062del, results in the deletion of 1 amino acid(s) of the FANCM protein (p.Gln354del), but otherwise preserves the integrity of the reading frame. This variant is present in population databases (no rsID available, gnomAD 0.006%). This variant has not been reported in the literature in individuals affected with FANCM-related conditions. Experimental studies and prediction algorithms are not available or were not evaluated, and the functional significance of this variant is currently unknown. In summary, the available evidence is currently insufficient to determine the role of this variant in disease. Therefore, it has been classified as a Variant of Uncertain Significance.

Fulgent Genetics
Classification: Uncertain significance for Spermatogenic failure 28; Premature ovarian failure 15. Last evaluated: 2024-04-08. Review status: criteria provided, single submitter. Criteria: ACMG Guidelines, 2015. Collection method: clinical testing. Allele origin: germline.